The following is an entry in ClinVar:

ClinVar aggregate classification (germline): Uncertain significance (1 of 4 stars; one submission).

Submission:

Labcorp Genetics (formerly Invitae), Labcorp
Classification: Uncertain significance. Last evaluated: 2022-02-06. Review status: criteria provided, single submitter. Criteria: Invitae Variant Classification Sherloc (09022015). Collection method: clinical testing. Allele origin: germline.
Comment: This sequence change replaces arginine, which is basic and polar, with proline, which is neutral and non-polar, at codon 465 of the ATP6V1B1 protein (p.Arg465Pro). This variant is not present in population databases (gnomAD no frequency). This variant has not been reported in the literature in individuals affected with ATP6V1B1-related conditions. Algorithms developed to predict the effect of missense changes on protein structure and function are either unavailable or do not agree on the potential impact of this missense change (SIFT: "Deleterious"; PolyPhen-2: "Probably Damaging"; Align-GVGD: "Class C0"). In summary, the available evidence is currently insufficient to determine the role of this variant in disease. Therefore, it has been classified as a Variant of Uncertain Significance.

NM_001692.4(ATP6V1B1):c.1394G>C (p.Arg465Pro)

Gene: ATP6V1B1 (ATPase H+ transporting V1 subunit B1; plus strand). Cytogenetic location: 2p13.3.
Variant type: single nucleotide variant.
Coding change: c.1394G>C on transcript NM_001692.4 (MANE Select); coding-DNA position 1394, G replaced by C.
Protein change: p.Arg465Pro; replaces arginine 465 with proline.
Molecular consequence: missense variant.
Genome position (GRCh38, 1-based): chr2:70,964,973, G>C. VCF-style: chr2-70964973-G-C. GRCh37 (hg19) VCF-style: chr2-71192103-G-C.
Other names: short protein forms R465P.
Identifiers: ClinVar variation 2093883 (VCV002093883.4), dbSNP rs142905621, ClinGen allele CA347189295.